The following is an entry in ClinVar:

ClinVar aggregate classification (germline): Uncertain significance. Review status: criteria provided, multiple submitters, no conflicts (2 of 4 stars). 2 submissions from 2 submitters: Uncertain significance (2). Last evaluated 2026-03-26.

Conditions:
Hereditary cancer-predisposing syndrome. Also called: Neoplastic Syndromes, Hereditary; Hereditary Cancer Syndrome; Hereditary neoplastic syndrome; Tumor predisposition. Identifiers: Orphanet 140162, MedGen C0027672, MeSH D009386, MONDO:0015356.
Cardiovascular phenotype. Identifiers: MedGen CN230736.

Allele frequency attached by ClinVar (database versions not stated): gnomAD 0.00002.
gnomAD v4.1: 3 of 1,613,110 alleles (0.00019%); highest among the groups gnomAD compares: Non-Finnish European, 0.00025%; no homozygotes.

Submissions (2):

Women's Health and Genetics/Laboratory Corporation of America, LabCorp
Classification: Uncertain significance. Last evaluated: 2026-03-26. Review status: criteria provided, single submitter. Criteria: LabCorp Variant Classification Summary - May 2015. Collection method: clinical testing. Allele origin: germline.
Comment: Variant summary: LZTR1 c.2182T>C (p.Tyr728His) results in a conservative amino acid change in the encoded protein sequence. Algorithms developed to predict the effect of missense changes on protein structure and function are either unavailable or do not agree on the potential impact of this missense change. The variant was absent in 250728 control chromosomes (gnomAD). The available data on variant occurrences in the general population are insufficient to allow any conclusion about variant significance. c.2182T>C has been observed in one individual affected with congenital heart disease (Sierant_2025). The report does not provide unequivocal conclusions about association of the variant with Noonan Syndrome 2. To our knowledge, no experimental evidence demonstrating an impact on protein function has been reported. The following publication have been ascertained in the context of this evaluation (PMID: 40127276). ClinVar contains an entry for this variant (Variation ID: 1787288). Based on the evidence outlined above, the variant was classified as uncertain significance.

Ambry Genetics
Classification: Uncertain significance for Cardiovascular phenotype; Hereditary cancer-predisposing syndrome. Last evaluated: 2022-10-20. Review status: criteria provided, single submitter. Criteria: Ambry Variant Classification Scheme 2023. Collection method: clinical testing. Allele origin: germline.
Comment: The p.Y728H variant (also known as c.2182T>C), located in coding exon 18 of the LZTR1 gene, results from a T to C substitution at nucleotide position 2182. The tyrosine at codon 728 is replaced by histidine, an amino acid with similar properties. This amino acid position is conserved. In addition, this alteration is predicted to be deleterious by in silico analysis. Since supporting evidence is limited at this time, the clinical significance of this alteration remains unclear.

Literature cited by the submitters: PubMed 40127276 (cited by Women's Health and Genetics/Laboratory Corporation of America, LabCorp).

NM_006767.4(LZTR1):c.2182T>C (p.Tyr728His)

Gene: LZTR1 (leucine zipper like post translational regulator 1; plus strand). Cytogenetic location: 22q11.21.
Variant type: single nucleotide variant.
Coding change: c.2182T>C on transcript NM_006767.4 (MANE Select); coding-DNA position 2182, T replaced by C.
Protein change: p.Tyr728His; replaces tyrosine 728 with histidine.
Molecular consequence: missense variant.
Genome position (GRCh38, 1-based): chr22:20,996,075, T>C. VCF-style: chr22-20996075-T-C. GRCh37 (hg19) VCF-style: chr22-21350364-T-C.
Other names: short protein forms Y728H.
Identifiers: ClinVar variation 1787288 (VCV001787288.3), dbSNP rs1376063242, ClinGen allele CA410779975.